The following is an entry in ClinVar:

NM_001018005.2(TPM1):c.493-13C>T

Gene: TPM1 (tropomyosin 1; plus strand). Cytogenetic location: 15q22.2.
Variant type: single nucleotide variant.
Coding change: c.493-13C>T on transcript NM_001018005.2 (MANE Select); 13 bases into the intron before coding-DNA position 493, C replaced by T.
Molecular consequence: intron variant.
Genome position (GRCh38, 1-based): chr15:63,060,856, C>T. VCF-style: chr15-63060856-C-T. GRCh37 (hg19) VCF-style: chr15-63353055-C-T.
Other names: c.619-13C>T (NM_001365778.1); c.493-13C>T (NM_001018020.2, NM_001018007.2, NM_001018006.2 and 6 more transcripts); c.385-13C>T (NM_001330351.2, NM_001330344.2, NM_001018008.2 and 5 more transcripts).
Identifiers: ClinVar variation 1634384 (VCV001634384.11), dbSNP rs143628676, ClinGen allele CA029777.
Genomic context (GRCh38, chr15:63,060,856, plus strand): 5'-TCTACCCCCATGCCCTTCTGTTACACAAAGCTTGCAAGACCCATGGTGTGTGTGTTGTGT[C>T]TTCCTGCTGCAGGTGGCCCGTAAGCTGGTCATCATTGAGAGCGACCTGGAACGTGCAGAG-3'

ClinVar aggregate classification (germline): Likely benign. Review status: criteria provided, multiple submitters, no conflicts (2 of 4 stars). 4 submissions from 4 submitters: Likely benign (4). Last evaluated 2026-01-24.

Conditions:
Hypertrophic cardiomyopathy. Also called: HYPERTROPHIC MYOCARDIOPATHY. Identifiers: Orphanet 217569, MedGen C0007194, MeSH D002312, MONDO:0005045, HP:0001639.
Cardiomyopathy (CMYO). Also called: Cardiomyopathies. Identifiers: Orphanet 167848, MedGen C0878544, MONDO:0004994, HP:0001638. Inheritance: Various modes of inheritance.

Allele frequency attached by ClinVar (database versions not stated): gnomAD exomes below 0.00001 and 0.00001; ExAC 0.00001; gnomAD 0.00001; 1000 Genomes Project 30x 0.00016; 1000 Genomes Project 0.00020.
gnomAD v4.1: 19 of 1,614,198 alleles (0.0012%); highest among the groups gnomAD compares: Middle Eastern, 0.016%; no homozygotes.

Submissions (4):

Labcorp Genetics (formerly Invitae), Labcorp
Classification: Likely benign for Hypertrophic cardiomyopathy. Last evaluated: 2026-01-24. Review status: criteria provided, single submitter. Criteria: Invitae Variant Classification Sherloc (09022015). Collection method: clinical testing. Allele origin: germline.

All of Us Research Program, National Institutes of Health
Classification: Likely benign for Hypertrophic cardiomyopathy. Last evaluated: 2023-12-13. Review status: criteria provided, single submitter. Criteria: ACMG Guidelines, 2015. Collection method: clinical testing. Allele origin: germline. Inheritance: Autosomal dominant inheritance. Observed: 2 variant alleles, 2 heterozygotes.
Comment: This study involves interpretation of variants in research participants for the purpose of population health screening. Participant phenotype was not available at the time of variant classification. Additional details can be found in publication PMID: 35346344, PMCID: PMC8962531

Color Diagnostics, LLC DBA Color Health
Classification: Likely benign for Cardiomyopathy. Last evaluated: 2023-04-05. Review status: criteria provided, single submitter. Criteria: ACMG Guidelines, 2015. Collection method: clinical testing. Allele origin: germline.

Blueprint Genetics
Classification: Likely benign. Last evaluated: 2021-12-09. Review status: criteria provided, single submitter. Criteria: ACMG Guidelines, 2015. Collection method: clinical testing. Allele origin: germline.